The following is an entry in ClinVar:

NM_023036.6(DNAI2):c.854C>T (p.Thr285Met)

Gene: DNAI2 (dynein axonemal intermediate chain 2; plus strand). Cytogenetic location: 17q25.1.
Variant type: single nucleotide variant.
Coding change: c.854C>T on transcript NM_023036.6 (MANE Select); coding-DNA position 854, C replaced by T.
Protein change: p.Thr285Met; replaces threonine 285 with methionine.
Molecular consequence: missense variant. On other transcripts: non-coding transcript variant (1).
Genome position (GRCh38, 1-based): chr17:74,299,847, C>T. VCF-style: chr17-74299847-C-T. GRCh37 (hg19) VCF-style: chr17-72295986-C-T.
Other names: c.854C>T, p.Thr285Met (NM_001172810.3, NM_001353167.2); short protein forms T285M.
Identifiers: ClinVar variation 241454 (VCV000241454.12), dbSNP rs141079076, ClinGen allele CA8745508.

ClinVar aggregate classification (germline): Conflicting classifications of pathogenicity. Review status: criteria provided, conflicting classifications (1 of 4 stars). 3 submissions from 3 submitters: Uncertain significance (1); Likely benign (1). 1 of the submissions does not count toward it. Last evaluated 2026-06-23.

Conditions:
Primary ciliary dyskinesia. Also called: Ciliary dyskinesia. Identifiers: Orphanet 244, MedGen C0008780, MONDO:0016575, HP:0012265.

Allele frequency attached by ClinVar (database versions not stated): ESP Exome Variant Server 0.00015; gnomAD 0.00023 and 0.00024; TOPMed 0.00025; gnomAD exomes 0.00026 and 0.00031; ExAC 0.00028; 1000 Genomes Project 30x 0.00031; 1000 Genomes Project 0.00040.
gnomAD v4.1: 484 of 1,613,476 alleles (0.03%); highest among the groups gnomAD compares: Non-Finnish European, 0.038%; no homozygotes.

Submissions (3):

GeneDx
Classification: Uncertain significance. Last evaluated: 2026-06-23. Review status: criteria provided, single submitter. Criteria: GeneDx Variant Classification Process June 2021. Collection method: clinical testing. Allele origin: germline.
Comment: In silico analysis supports that this missense variant has a deleterious effect on protein structure/function; This variant is associated with the following publications: (PMID: 33076341)

Labcorp Genetics (formerly Invitae), Labcorp
Classification: Likely benign for Primary ciliary dyskinesia. Last evaluated: 2025-12-26. Review status: criteria provided, single submitter. Criteria: Invitae Variant Classification Sherloc (09022015). Collection method: clinical testing. Allele origin: germline.

Natera, Inc.
Classification: Uncertain significance for Primary ciliary dyskinesia. Last evaluated: 2019-10-28. Review status: no assertion criteria provided. Collection method: clinical testing. Allele origin: germline. Not counted in ClinVar's aggregate classification.